The following is an entry in ClinVar:

ClinVar aggregate classification (germline): Likely benign. Review status: criteria provided, multiple submitters, no conflicts (2 of 4 stars). 5 submissions from 5 submitters: Likely benign (4). 1 of the submissions does not count toward it. Last evaluated 2026-01-06.

Conditions:
SLC34A3-related disorder. Also called: SLC34A3-related condition.
Autosomal recessive hypophosphatemic bone disease (HHRH). Also called: HYPERCALCIURIC RICKETS; Hypophosphatemic rickets with hypercalciuria. Identifiers: Orphanet 157215, MedGen C1853271, MONDO:0009431, OMIM 241530.

Allele frequency attached by ClinVar (database versions not stated): ExAC 0.00004; gnomAD exomes 0.00006; TOPMed 0.00012; gnomAD 0.00013; ESP Exome Variant Server 0.00015; 1000 Genomes Project 30x 0.00016; 1000 Genomes Project 0.00020.
gnomAD v4.1: 247 of 1,612,602 alleles (0.015%); highest among the groups gnomAD compares: Non-Finnish European, 0.019%; no homozygotes.

Submissions (5):

Labcorp Genetics (formerly Invitae), Labcorp
Classification: Likely benign. Last evaluated: 2026-01-06. Review status: criteria provided, single submitter. Criteria: Invitae Variant Classification Sherloc (09022015). Collection method: clinical testing. Allele origin: germline.

Women's Health and Genetics/Laboratory Corporation of America, LabCorp
Classification: Likely benign. Last evaluated: 2024-09-14. Review status: criteria provided, single submitter. Criteria: LabCorp Variant Classification Summary - May 2015. Collection method: clinical testing. Allele origin: germline.

Blueprint Genetics
Classification: Likely benign. Last evaluated: 2024-08-06. Review status: criteria provided, single submitter. Criteria: ACMG Guidelines, 2015. Collection method: clinical testing. Allele origin: germline.

Fulgent Genetics
Classification: Likely benign for Autosomal recessive hypophosphatemic bone disease. Last evaluated: 2022-03-10. Review status: criteria provided, single submitter. Criteria: ACMG Guidelines, 2015. Collection method: clinical testing. Allele origin: unknown.

PreventionGenetics, part of Exact Sciences
Classification: Likely benign for SLC34A3-related condition. Last evaluated: 2021-12-10. Review status: no assertion criteria provided. Collection method: clinical testing. Allele origin: germline. Not counted in ClinVar's aggregate classification.
Comment: This variant is classified as likely benign based on ACMG/AMP sequence variant interpretation guidelines (Richards et al. 2015 PMID: 25741868, with internal and published modifications).

NM_001177316.2(SLC34A3):c.1431C>T (p.Phe477=)

Gene: SLC34A3 (solute carrier family 34 member 3; plus strand). Cytogenetic location: 9q34.3.
Variant type: single nucleotide variant.
Coding change: c.1431C>T on transcript NM_001177316.2 (MANE Select); coding-DNA position 1431, C replaced by T.
Protein change: p.Phe477=; no amino-acid change (phenylalanine 477 retained).
Molecular consequence: synonymous variant.
Genome position (GRCh38, 1-based): chr9:137,236,047, C>T. VCF-style: chr9-137236047-C-T. GRCh37 (hg19) VCF-style: chr9-140130499-C-T.
Other names: c.1431C>T, p.Phe477= (NM_001177317.2, NM_080877.3).
Identifiers: ClinVar variation 779258 (VCV000779258.16), dbSNP rs150176604, ClinGen allele CA5364945.